The following is an entry in ClinVar:

ClinVar aggregate classification (germline): Likely benign. Review status: criteria provided, multiple submitters, no conflicts (2 of 4 stars). 4 submissions from 4 submitters: Likely benign (4). Last evaluated 2024-12-01.

Allele frequency attached by ClinVar (database versions not stated): gnomAD 0.00027 and 0.00031; ESP Exome Variant Server 0.00031; TOPMed 0.00037; gnomAD exomes 0.00041 and 0.00045; ExAC 0.00042.
gnomAD v4.1: 687 of 1,608,704 alleles (0.043%); highest among the groups gnomAD compares: Non-Finnish European, 0.052%; no homozygotes.

Submissions (4):

CeGaT Center for Human Genetics Tuebingen
Classification: Likely benign. Last evaluated: 2024-12-01. Review status: criteria provided, single submitter. Criteria: CeGaT Center For Human Genetics Tuebingen Variant Classification Criteria Version 2. Collection method: clinical testing. Allele origin: germline. Affected: yes. Observed: 4 variant alleles.
Comment: CHD3: BP4, BP7

Blueprint Genetics
Classification: Likely benign. Last evaluated: 2024-10-23. Review status: criteria provided, single submitter. Criteria: ACMG Guidelines, 2015. Collection method: clinical testing. Allele origin: germline.

Labcorp Genetics (formerly Invitae), Labcorp
Classification: Likely benign. Last evaluated: 2018-07-02. Review status: criteria provided, single submitter. Criteria: Invitae Variant Classification Sherloc (09022015). Collection method: clinical testing. Allele origin: germline.

Breakthrough Genomics
Classification: Likely benign. Review status: criteria provided, single submitter. Criteria: ACMG Guidelines, 2015. Collection method: not provided. Allele origin: germline. Inheritance: Autosomal dominant inheritance. Affected: yes.

NM_001005273.3(CHD3):c.3240C>T (p.Leu1080=)

Gene: CHD3 (chromodomain helicase DNA binding protein 3; plus strand). Cytogenetic location: 17p13.1.
Variant type: single nucleotide variant.
Coding change: c.3240C>T on transcript NM_001005273.3 (MANE Select); coding-DNA position 3240, C replaced by T.
Protein change: p.Leu1080=; no amino-acid change (leucine 1080 retained).
Molecular consequence: synonymous variant.
Genome position (GRCh38, 1-based): chr17:7,901,363, C>T. VCF-style: chr17-7901363-C-T. GRCh37 (hg19) VCF-style: chr17-7804681-C-T.
Other names: c.3417C>T, p.Leu1139= (NM_001005271.3); c.3240C>T, p.Leu1080= (NM_005852.4).
Identifiers: ClinVar variation 757699 (VCV000757699.32), dbSNP rs149027084, ClinGen allele CA8363031.